The following is an entry in ClinVar:

ClinVar aggregate classification (germline): Uncertain significance. Review status: criteria provided, multiple submitters, no conflicts (2 of 4 stars). 2 submissions from 2 submitters: Uncertain significance (2). Last evaluated 2024-06-11.

Conditions:
Congenital muscular dystrophy due to integrin alpha-7 deficiency. Also called: MYOPATHY, CONGENITAL, DUE TO INTEGRIN ALPHA-7 DEFICIENCY; Muscular dystrophy, congenital, due to ITGA7 deficiency; Congenital muscular dystrophy with integrin alpha-7 deficiency. Identifiers: Orphanet 34520, MedGen C2750786, MONDO:0013177, OMIM 613204.

Allele frequency attached by ClinVar (database versions not stated): TOPMed 0.00001; ESP Exome Variant Server 0.00008.
gnomAD v4.1: 18 of 1,614,002 alleles (0.0011%); highest among the groups gnomAD compares: East Asian, 0.0067%; no homozygotes.

Submissions (2):

Ambry Genetics
Classification: Uncertain significance. Last evaluated: 2024-06-11. Review status: criteria provided, single submitter. Criteria: Ambry Variant Classification Scheme 2023. Collection method: clinical testing. Allele origin: germline.

Labcorp Genetics (formerly Invitae), Labcorp
Classification: Uncertain significance for Congenital muscular dystrophy due to integrin alpha-7 deficiency. Last evaluated: 2022-07-19. Review status: criteria provided, single submitter. Criteria: Invitae Variant Classification Sherloc (09022015). Collection method: clinical testing. Allele origin: germline.
Comment: This sequence change replaces glycine, which is neutral and non-polar, with serine, which is neutral and polar, at codon 440 of the ITGA7 protein (p.Gly440Ser). This variant is present in population databases (rs139274587, gnomAD 0.01%). This variant has not been reported in the literature in individuals affected with ITGA7-related conditions. Algorithms developed to predict the effect of missense changes on protein structure and function are either unavailable or do not agree on the potential impact of this missense change (SIFT: "Deleterious"; PolyPhen-2: "Probably Damaging"; Align-GVGD: "Class C0"). In summary, the available evidence is currently insufficient to determine the role of this variant in disease. Therefore, it has been classified as a Variant of Uncertain Significance.

NM_002206.3(ITGA7):c.1318G>A (p.Gly440Ser)

Gene: ITGA7 (integrin subunit alpha 7; minus strand). Cytogenetic location: 12q13.2.
Variant type: single nucleotide variant.
Coding change: c.1318G>A on transcript NM_002206.3 (MANE Select); coding-DNA position 1318, G replaced by A.
Protein change: p.Gly440Ser; replaces glycine 440 with serine.
Molecular consequence: missense variant. On other transcripts: intron variant (1).
Genome position (GRCh38, 1-based): chr12:55,697,786, C>T on the plus strand (G>A on the coding strand, the complement: ITGA7 is on the minus strand). VCF-style: chr12-55697786-C-T. GRCh37 (hg19) VCF-style: chr12-56091570-C-T.
Other names: c.1318G>A (NM_002206.2); c.1243G>A, p.Gly415Ser (NM_001414030.1); c.1231G>A, p.Gly411Ser (NM_001414031.1); c.1198G>A, p.Gly400Ser (NM_001414032.1); c.1135G>A, p.Gly379Ser (NM_001414033.1); c.1318G>A, p.Gly440Ser (NM_001414034.1, NM_001374465.1); c.979G>A, p.Gly327Ser (NM_001414035.1); c.-11-16G>A (NM_001367994.1); and 4 more; short protein forms G327S, G331S, G411S, G440S, G484S, G400S, G415S, G347S.
Identifiers: ClinVar variation 2038476 (VCV002038476.2), dbSNP rs139274587, ClinGen allele CA6615991.
Genomic context (GRCh38, chr12:55,697,786, plus strand): 5'-CCACCAGCAGGTCAGGGTATTGGTTCCCATCCATATCCAAGCTGCCTGACAGGGAGTAGC[C>T]GAAGCTCTTGATGCCCACAGCCTCGCCCTCCAGCACCTAGAGAACCAGCTGTCAGCCTCC-3'
Protein context (NP_002197.2, residues 430-450): EGEAVGIKSF[Gly440Ser]YSLSGSLDMD